The following is an entry in ClinVar:

NM_004415.4(DSP):c.4009del (p.Glu1337fs)

Gene: DSP (desmoplakin; plus strand). Cytogenetic location: 6p24.3.
Variant type: Deletion.
Coding change: c.4009del on transcript NM_004415.4 (MANE Select); coding-DNA position 4009, one base deleted (G; older notation c.4009delG).
Protein change: p.Glu1337fs; shifts the reading frame from glutamic acid 1337.
Molecular consequence: frameshift variant. On other transcripts: intron variant (1).
Genome position (GRCh38, 1-based): chr6:7,580,199, G deleted; the last of 2 consecutive G bases (chr6:7,580,198-7,580,199); deleting either gives the same sequence. VCF-style (leftmost placement, unchanged base first): chr6-7580197-AG-A. GRCh37 (hg19) VCF-style: chr6-7580430-AG-A.
Other names: c.4009del (LRG_423t1); c.4009delG (NM_004415.2); c.4009del, p.Glu1337fs (NM_001319034.2); c.3582+427del (NM_001008844.3); short protein forms E1337fs.
Identifiers: ClinVar variation 195754 (VCV000195754.23), dbSNP rs794727381, ClinGen allele CA004340.

ClinVar aggregate classification (germline): Pathogenic/Likely pathogenic. Review status: criteria provided, multiple submitters, no conflicts (2 of 4 stars). 6 submissions from 6 submitters: Pathogenic (4); Likely pathogenic (2). Last evaluated 2025-11-19.

Conditions:
Cardiovascular phenotype. Identifiers: MedGen CN230736.
Cardiomyopathy (CMYO). Also called: Cardiomyopathies. Identifiers: Orphanet 167848, MedGen C0878544, MONDO:0004994, HP:0001638. Inheritance: Various modes of inheritance.
Arrhythmogenic right ventricular dysplasia 8 (ARVD8). Also called: ARRHYTHMOGENIC RIGHT VENTRICULAR DYSPLASIA, FAMILIAL, 8; ARRHYTHMOGENIC RIGHT VENTRICULAR CARDIOMYOPATHY 8; Arrhythmogenic Right Ventricular Dysplasia/Cardiomyopathy 8. Identifiers: MedGen C1843896, MONDO:0011831, OMIM 607450.
Arrhythmogenic cardiomyopathy with wooly hair and keratoderma. Also called: Arrhythmogenic cardiomyopathy with woolly hair and keratoderma; Carvajal syndrome; Dilated cardiomyopathy with woolly hair and keratoderma; PALMOPLANTAR KERATODERMA WITH LEFT VENTRICULAR CARDIOMYOPATHY AND WOOLLY HAIR. Identifiers: Orphanet 65282, MedGen C1854063, MONDO:0011581, OMIM 605676.

Submissions (6):

GeneDx
Classification: Likely pathogenic. Last evaluated: 2025-11-19. Review status: criteria provided, single submitter. Criteria: GeneDx Variant Classification Process June 2021. Collection method: clinical testing. Allele origin: germline. Affected: yes.
Comment: Reported in association with dilated cardiomyopathy and arrhythmogenic cardiomyopathy; however, detailed clinical information was not provided (PMID: 36129056, Choi NH et al. Desmoplakin Cardiomyopathy in Pediatric Patients: A Distinct, Underrecognized Cohort of Arrhythmogenic Cardiomyopathy. Circulation: Arrhythmia and Electrophysiology. November 11, 2024 17(11)); Frameshift variant predicted to result in protein truncation or nonsense mediated decay in a gene for which loss of function is a known mechanism of disease; Not observed at significant frequency in large population cohorts (gnomAD); This variant is associated with the following publications: (PMID: 36129056, Choi2024[Article])

Labcorp Genetics (formerly Invitae), Labcorp
Classification: Pathogenic for Arrhythmogenic cardiomyopathy with wooly hair and keratoderma; Arrhythmogenic right ventricular dysplasia 8. Last evaluated: 2025-11-01. Review status: criteria provided, single submitter. Criteria: Invitae Variant Classification Sherloc (09022015). Collection method: clinical testing. Allele origin: germline.
Comment: This sequence change creates a premature translational stop signal (p.Glu1337Argfs*12) in the DSP gene. It is expected to result in an absent or disrupted protein product. Loss-of-function variants in DSP are known to be pathogenic (PMID: 20716751, 24503780, 25227139, 30398466). This variant is present in population databases (rs757896953, gnomAD 0.01%). This variant has not been reported in the literature in individuals affected with DSP-related conditions. ClinVar contains an entry for this variant (Variation ID: 195754). For these reasons, this variant has been classified as Pathogenic.

Color Diagnostics, LLC DBA Color Health
Classification: Pathogenic for Cardiomyopathy. Last evaluated: 2024-08-12. Review status: criteria provided, single submitter. Criteria: ACMG Guidelines, 2015. Collection method: clinical testing. Allele origin: germline.
Comment: This variant deletes 1 nucleotide in exon 23 of the DSP gene, creating a frameshift and premature translation stop signal. This variant is expected to result in an absent or non-functional protein product. To our knowledge, this variant has not been reported in individuals affected with DSP-related disorders in the literature. This variant has been identified in 5/250740 chromosomes in the general population by the Genome Aggregation Database (gnomAD). Loss of DSP function is a known mechanism of disease. Based on the available evidence, this variant is classified as Pathogenic.

All of Us Research Program, National Institutes of Health
Classification: Likely pathogenic for Arrhythmogenic cardiomyopathy with wooly hair and keratoderma. Last evaluated: 2024-02-12. Review status: criteria provided, single submitter. Criteria: ACMG Guidelines, 2015. Collection method: clinical testing. Allele origin: germline. Inheritance: Autosomal dominant inheritance. Observed: 1 variant allele, 1 heterozygote.
Comment: This variant is predicted to result in loss of protein function through nonsense-mediated decay or protein truncation. Loss of function is an established mechanism of disease. To date, this variant has not been reported in association with human disease in the medical literature. This variant is present in 5 of 250740 total alleles in the Genome Aggregation Database.

This study involves interpretation of variants in research participants for the purpose of population health screening. Participant phenotype was not available at the time of variant classification. Additional details can be found in publication PMID: 35346344, PMCID: PMC8962531

Ambry Genetics
Classification: Pathogenic for Cardiovascular phenotype. Last evaluated: 2023-12-21. Review status: criteria provided, single submitter. Criteria: Ambry Variant Classification Scheme 2023. Collection method: clinical testing. Allele origin: germline.
Comment: The c.4009delG pathogenic mutation, located in coding exon 23 of the DSP gene, results from a deletion of one nucleotide at position 4009, causing a translational frameshift with a predicted alternate stop codon (p.E1337Rfs*12). Alterations in DSP that result in haploinsufficiency or protein truncation have been reported in patients with arrhythmogenic right ventricular cardiomyopathy (ARVC) and dilated cardiomyopathy (DCM) (Fressart V et al. Europace. 2010;12(6):861-8; Elliott P et al. Circ Cardiovasc Genet. 2010;3(4):314-22; Quarta G et al. Circulation. 2011;123(23):2701-9; Garcia-Pavia P et al. Heart. 2011;97(21):1744-52; Rasmussen TB et al. Clin Genet. 2013;84(1):20-30; Pugh TJ et al. Genet Med. 2014;16(8):601-8). This alteration is expected to result in loss of function by premature protein truncation or nonsense-mediated mRNA decay. As such, this alteration is interpreted as a disease-causing mutation.

Eurofins Ntd Llc (ga)
Classification: Pathogenic. Last evaluated: 2015-04-29. Review status: criteria provided, single submitter. Criteria: EGL Classification Definitions 2015. Collection method: clinical testing. Allele origin: germline. Observed: 3 variant alleles, 3 heterozygotes.

Literature cited by the submitters: PubMed 20716751 (cited by Labcorp Genetics (formerly Invitae), Labcorp); PubMed 24503780 (cited by Labcorp Genetics (formerly Invitae), Labcorp); PubMed 25227139 (cited by Labcorp Genetics (formerly Invitae), Labcorp); PubMed 30398466 (cited by Labcorp Genetics (formerly Invitae), Labcorp).